The following is an entry in ClinVar:

NM_000257.4(MYH7):c.1611G>A (p.Glu537=)

Gene: MYH7 (myosin heavy chain 7; minus strand). Cytogenetic location: 14q11.2.
Variant type: single nucleotide variant.
Coding change: c.1611G>A on transcript NM_000257.4 (MANE Select); coding-DNA position 1611, G replaced by A.
Protein change: p.Glu537=; no amino-acid change (glutamic acid 537 retained).
Molecular consequence: synonymous variant.
Genome position (GRCh38, 1-based): chr14:23,427,862, C>T on the plus strand (G>A on the coding strand, the complement: MYH7 is on the minus strand). VCF-style: chr14-23427862-C-T. GRCh37 (hg19) VCF-style: chr14-23897071-C-T.
Identifiers: ClinVar variation 701202 (VCV000701202.50), dbSNP rs781288581, ClinGen allele CA485624244.

ClinVar aggregate classification (germline): Likely benign. Review status: criteria provided, multiple submitters, no conflicts (2 of 4 stars). 5 submissions from 5 submitters: Likely benign (5). Last evaluated 2026-01-27.

Conditions:
Cardiovascular phenotype. Identifiers: MedGen CN230736.
Hypertrophic cardiomyopathy. Also called: HYPERTROPHIC MYOCARDIOPATHY. Identifiers: Orphanet 217569, MedGen C0007194, MeSH D002312, MONDO:0005045, HP:0001639.
Cardiomyopathy (CMYO). Also called: Cardiomyopathies. Identifiers: Orphanet 167848, MedGen C0878544, MONDO:0004994, HP:0001638. Inheritance: Various modes of inheritance.

gnomAD v4.1: 9 of 1,614,182 alleles (0.00056%); highest among the groups gnomAD compares: Non-Finnish European, 0.00068%; no homozygotes.

Submissions (5):

Labcorp Genetics (formerly Invitae), Labcorp
Classification: Likely benign for Hypertrophic cardiomyopathy. Last evaluated: 2026-01-27. Review status: criteria provided, single submitter. Criteria: Invitae Variant Classification Sherloc (09022015). Collection method: clinical testing. Allele origin: germline.

All of Us Research Program, National Institutes of Health
Classification: Likely benign for Cardiomyopathy. Last evaluated: 2023-04-10. Review status: criteria provided, single submitter. Criteria: ACMG Guidelines, 2015. Collection method: clinical testing. Allele origin: germline. Inheritance: Autosomal dominant inheritance. Observed: 2 variant alleles, 2 heterozygotes.
Comment: This study involves interpretation of variants in research participants for the purpose of population health screening. Participant phenotype was not available at the time of variant classification. Additional details can be found in publication PMID: 35346344, PMCID: PMC8962531

Ambry Genetics
Classification: Likely benign for Cardiovascular phenotype. Last evaluated: 2023-04-05. Review status: criteria provided, single submitter. Criteria: Ambry Variant Classification Scheme 2023. Collection method: clinical testing. Allele origin: germline.

CeGaT Center for Human Genetics Tuebingen
Classification: Likely benign. Last evaluated: 2021-08-01. Review status: criteria provided, single submitter. Criteria: CeGaT Center For Human Genetics Tuebingen Variant Classification Criteria Version 2. Collection method: clinical testing. Allele origin: germline. Affected: yes. Observed: 2 variant alleles.

Color Diagnostics, LLC DBA Color Health
Classification: Likely benign for Cardiomyopathy. Last evaluated: 2020-03-30. Review status: criteria provided, single submitter. Criteria: ACMG Guidelines, 2015. Collection method: clinical testing. Allele origin: germline.